The following is an entry in ClinVar:

ClinVar aggregate classification (germline): Pathogenic/Likely pathogenic. Review status: criteria provided, multiple submitters, no conflicts (2 of 4 stars). 12 submissions from 12 submitters: Pathogenic (10); Likely pathogenic (1). 1 of the submissions does not count toward it. Last evaluated 2024-10-23.

Conditions:
Usher syndrome. Also called: Usher Syndromes; Usher's syndrome. Identifiers: Orphanet 886, MedGen CN469326, MeSH D052245, MONDO:0019501. Disease mechanism: loss of function.
PCDH15-related disorder. Also called: PCDH15-related disorders; PCDH15-related condition.
Rare genetic deafness. Identifiers: Orphanet 96210, MedGen C5680250.
Autosomal recessive nonsyndromic hearing loss 23. Identifiers: Orphanet 90636, MedGen C1836027, MONDO:0012293, OMIM 609533.
Usher syndrome type 1D (USH1D). Also called: USHER SYNDROME, TYPE ID. Identifiers: Orphanet 231169, Orphanet 886, MedGen C1832845, MONDO:0010984, OMIM 601067.
Usher syndrome type 1F (USH1F). Also called: USHER SYNDROME, TYPE IF. Identifiers: Orphanet 231169, Orphanet 886, MedGen C1865885, MONDO:0011186, OMIM 602083.

Allele frequency attached by ClinVar (database versions not stated): TOPMed 0.00001; gnomAD exomes 0.00002; ExAC 0.00003; ESP Exome Variant Server 0.00008.
gnomAD v4.1: 15 of 1,613,518 alleles (0.00093%); highest among the groups gnomAD compares: Admixed American, 0.0017%; no homozygotes.

Submissions (12):

GeneDx
Classification: Pathogenic. Last evaluated: 2024-10-23. Review status: criteria provided, single submitter. Criteria: GeneDx Variant Classification Process June 2021. Collection method: clinical testing. Allele origin: germline. Affected: yes.
Comment: Nonsense variant predicted to result in protein truncation or nonsense mediated decay in a gene for which loss of function is a known mechanism of disease; Not observed at significant frequency in large population cohorts (gnomAD); This variant is associated with the following publications: (PMID: 25525159, 18484607, 19375528)

Labcorp Genetics (formerly Invitae), Labcorp
Classification: Pathogenic. Last evaluated: 2024-10-22. Review status: criteria provided, single submitter. Criteria: Invitae Variant Classification Sherloc (09022015). Collection method: clinical testing. Allele origin: germline.
Comment: This sequence change creates a premature translational stop signal (p.Arg1106*) in the PCDH15 gene. It is expected to result in an absent or disrupted protein product. Loss-of-function variants in PCDH15 are known to be pathogenic (PMID: 11398101, 11487575, 14570705). This variant is present in population databases (rs202033121, gnomAD 0.004%). This premature translational stop signal has been observed in individual(s) with Usher syndrome (PMID: 18484607, 19375528). ClinVar contains an entry for this variant (Variation ID: 46464). For these reasons, this variant has been classified as Pathogenic.

Blueprint Genetics
Classification: Pathogenic for PCDH15-related disorders. Last evaluated: 2024-09-06. Review status: criteria provided, single submitter. Criteria: ACMG Guidelines, 2015. Collection method: clinical testing. Allele origin: germline. Affected: yes. Observed: 5 variant alleles.

Natera, Inc.
Classification: Pathogenic for Usher syndrome type 1F. Last evaluated: 2024-07-23. Review status: criteria provided, single submitter. Criteria: Natera Variant Classification Schema (03/2026). Collection method: clinical testing. Allele origin: germline.
Comment: The c.3316C>T variant in PCDH15 is a nonsense variant predicted to introduce a stop codon at amino acid 1106. This variant is expected to result in nonsense mediated decay, truncation, or a dysfunctional protein product. This variant is rare in the general population with a frequency below the threshold expected for the associated phenotype(s). This variant has been observed in one or more individuals affected with the associated recessive disease, as either homozygous or compound heterozygous with a second variant (PMID: 19375528). Additionally, this variant has been observed to segregate in affected family members (PMID: 19375528). Given the available evidence, this variant is classified as Pathogenic.

Genomic Medicine Center of Excellence, King Faisal Specialist Hospital and Research Centre
Classification: Pathogenic for Autosomal recessive nonsyndromic hearing loss 23. Last evaluated: 2024-02-11. Review status: criteria provided, single submitter. Criteria: ACMG Guidelines, 2015. Collection method: research. Allele origin: germline.

Baylor Genetics
Classification: Pathogenic for Autosomal recessive nonsyndromic hearing loss 23. Last evaluated: 2023-11-22. Review status: criteria provided, single submitter. Criteria: ACMG Guidelines, 2015. Collection method: clinical testing. Allele origin: unknown.

Broad Center for Mendelian Genomics, Broad Institute of MIT and Harvard
Classification: Pathogenic for Usher syndrome type 1F. Last evaluated: 2023-01-24. Review status: criteria provided, single submitter. Criteria: ACMG Guidelines, 2015. Collection method: curation. Allele origin: germline. Inheritance: Autosomal recessive inheritance.
Comment: The p.Arg1106Ter variant in PCDH15 has been reported in 2 individuals with Usher syndrome type 1F (PMID: 19375528, 18484607) and has been identified in 0.004% (5/113538) of European (non-Finnish) chromosomes by the Genome Aggregation Database (gnomAD; dbSNP ID: rs202033121). Although this variant has been seen in the general population in a heterozygous state, its frequency is low enough to be consistent with a recessive carrier frequency. This variant has also been reported in ClinVar (Variation ID#: 46464) and has been interpreted as pathogenic or likely pathogenic by Fulgent Genetics, Counsyl, Laboratory for Molecular Medicine (Mass General Brigham Personalized Medicine), Invitae, and Natera, Inc.. Of the 2 affected individuals, 1 of those was a homozygote, which increases the likelihood that the p.Arg1106Ter variant is pathogenic (PMID: 19375528). This nonsense variant leads to a premature termination codon at position 1106, which is predicted to lead to a truncated or absent protein. Loss of function of the PCDH15 gene is an established disease mechanism in autosomal recessive Usher syndrome type 1F. In summary, this variant meets criteria to be classified as pathogenic for autosomal recessive Usher syndrome type 1F. ACMG/AMP Criteria applied: PVS1, PM2_supporting, PM3_supporting (Richards 2015).

SN ONGC Dept of Genetics and Molecular biology Vision Research Foundation
Classification: Pathogenic for Usher syndrome. Last evaluated: 2022-12-31. Review status: criteria provided, single submitter. Criteria: ACMG Guidelines, 2015. Collection method: research. Allele origin: unknown. Affected: yes. Observed: 1 variant allele, 1 heterozygote.

Revvity Omics, Revvity
Classification: Likely pathogenic. Last evaluated: 2022-03-30. Review status: criteria provided, single submitter. Criteria: ACMG Guidelines, 2015. Collection method: clinical testing. Allele origin: germline.

Laboratory for Molecular Medicine, Mass General Brigham Personalized Medicine
Classification: Pathogenic for Rare genetic deafness. Last evaluated: 2017-08-15. Review status: criteria provided, single submitter. Criteria: LMM Criteria. Collection method: clinical testing. Allele origin: germline. Inheritance: Autosomal recessive inheritance. Observed: 3 variant alleles.
Comment: The p.Arg1106X variant in PCDH15 has been reported in the homozygous state in on e individual with Usher syndrome type I (Ammar-Khodja 2009). It has also been id entified in 5/111450 European chromosomes by the Genome Aggregation Database (gn omAD; dbSNP rs202033121). Although this varian t has been seen in the general population, its frequency is low enough to be con sistent with a recessive carrier frequency. The p.Arg1106X variant leads to a pr emature stop codon at position 1106, which is predicted to lead to a truncated o r absent protein. In summary, this variant meets criteria to be classified as pa thogenic for autosomal recessive Usher syndrome based on the previously reported individual, low frequency in the general population, and predicted loss of func tion of the protein.

Fulgent Genetics
Classification: Pathogenic for Usher syndrome type 1D; Usher syndrome type 1F; Autosomal recessive nonsyndromic hearing loss 23. Last evaluated: 2017-05-18. Review status: criteria provided, single submitter. Criteria: ACMG Guidelines, 2015. Collection method: clinical testing. Allele origin: unknown.

Counsyl
Classification: Likely pathogenic for Usher syndrome, type 1F. Last evaluated: 2014-08-20. Review status: no assertion criteria provided. Collection method: literature only. Allele origin: unknown. Inheritance: Autosomal recessive inheritance. Not counted in ClinVar's aggregate classification.

Literature cited by the submitters: PubMed 11398101 (cited by Labcorp Genetics (formerly Invitae), Labcorp); PubMed 11487575 (cited by Labcorp Genetics (formerly Invitae), Labcorp); PubMed 14570705 (cited by Labcorp Genetics (formerly Invitae), Labcorp); PubMed 18484607 (cited by 3 submitters); PubMed 19375528 (cited by 4 submitters).

NM_001384140.1(PCDH15):c.3316C>T (p.Arg1106Ter)

Gene: PCDH15 (protocadherin related 15; minus strand). Cytogenetic location: 10q21.1.
Variant type: single nucleotide variant.
Coding change: c.3316C>T on transcript NM_001384140.1 (MANE Select); coding-DNA position 3316, C replaced by T.
Protein change: p.Arg1106Ter; replaces arginine 1106 with a stop codon.
Molecular consequence: nonsense.
Genome position (GRCh38, 1-based): chr10:53,938,872, G>A on the plus strand (C>T on the coding strand, the complement: PCDH15 is on the minus strand). VCF-style: chr10-53938872-G-A. GRCh37 (hg19) VCF-style: chr10-55698632-G-A.
Other names: NM_001384140.1(PCDH15):c.3316C>T; p.Arg1106Ter; c.3331C>T, p.Arg1111Ter (NM_001142763.2, NM_001142771.2); c.3316C>T, p.Arg1106Ter (NM_001142764.2, NM_001142766.2, NM_001142770.3 and 4 more transcripts); c.3103C>T, p.Arg1035Ter (NM_001142765.2); c.3205C>T, p.Arg1069Ter (NM_001142767.2); c.3250C>T, p.Arg1084Ter (NM_001142768.2, NM_001142773.2, NM_001354404.2); c.3352C>T, p.Arg1118Ter (NM_001142769.4); and 1 more; short protein forms R1106*, R1084*, R1118*, R1069*, R1035*, R1111*, R1113*.
Identifiers: ClinVar variation 46464 (VCV000046464.52), dbSNP rs202033121, ClinGen allele CA261844.